The following is an entry in ClinVar:

ClinVar aggregate classification (germline): Uncertain significance (1 of 4 stars; one submission).

Conditions:
Ullrich congenital muscular dystrophy 2 (UCMD2). Identifiers: Orphanet 75840, MedGen C4225314, MONDO:0014654, OMIM 616470.
Bethlem myopathy 2 (BTHLM2). Identifiers: Orphanet 536516, Orphanet 610, MedGen C4225313, MONDO:0034022, OMIM 616471.

Allele frequency attached by ClinVar (database versions not stated): gnomAD exomes 0.00001.
gnomAD v4.1: 10 of 1,613,202 alleles (0.00062%); highest among the groups gnomAD compares: East Asian, 0.0022%; no homozygotes.

Submission:

Labcorp Genetics (formerly Invitae), Labcorp
Classification: Uncertain significance for Bethlem myopathy 2; Ullrich congenital muscular dystrophy 2. Last evaluated: 2026-01-18. Review status: criteria provided, single submitter. Criteria: Invitae Variant Classification Sherloc (09022015). Collection method: clinical testing. Allele origin: germline.
Comment: This sequence change replaces arginine, which is basic and polar, with glutamine, which is neutral and polar, at codon 2980 of the COL12A1 protein (p.Arg2980Gln). This variant is not present in population databases (gnomAD no frequency). This variant has not been reported in the literature in individuals affected with COL12A1-related conditions. ClinVar contains an entry for this variant (Variation ID: 2143180). An algorithm developed to predict the effect of missense changes on protein structure and function (PolyPhen-2) suggests that this variant is likely to be disruptive. In summary, the available evidence is currently insufficient to determine the role of this variant in disease. Therefore, it has been classified as a Variant of Uncertain Significance.

NM_004370.6(COL12A1):c.8939G>A (p.Arg2980Gln)

Gene: COL12A1 (collagen type XII alpha 1 chain; minus strand). Cytogenetic location: 6q13.
Variant type: single nucleotide variant.
Coding change: c.8939G>A on transcript NM_004370.6 (MANE Select); coding-DNA position 8939, G replaced by A.
Protein change: p.Arg2980Gln; replaces arginine 2980 with glutamine.
Molecular consequence: missense variant.
Genome position (GRCh38, 1-based): chr6:75,090,112, C>T on the plus strand (G>A on the coding strand, the complement: COL12A1 is on the minus strand). VCF-style: chr6-75090112-C-T. GRCh37 (hg19) VCF-style: chr6-75799828-C-T.
Other names: c.5447G>A, p.Arg1816Gln (NM_080645.3); short protein forms R2980Q, R1816Q.
Identifiers: ClinVar variation 2143180 (VCV002143180.4), dbSNP rs2533030614, ClinGen allele CA364734351.